The following is an entry in ClinVar:

NM_000059.4(BRCA2):c.9092_9111del (p.Lys3031fs)

Gene: BRCA2 (BRCA2 DNA repair associated; plus strand). Cytogenetic location: 13q13.1.
Variant type: Deletion.
Coding change: c.9092_9111del on transcript NM_000059.4 (MANE Select); coding-DNA positions 9092 to 9111, 20 bases deleted (AAAAAACTCAGTATCAACAA).
Protein change: p.Lys3031fs; shifts the reading frame from lysine 3031.
Molecular consequence: frameshift variant.
Genome position (GRCh38, 1-based): chr13:32,379,888-32,379,907, AAAAAACTCAGTATCAACAA deleted; deleting any 20 consecutive bases within chr13:32,379,884-32,379,907 gives the same sequence; the c. name uses the placement nearest the transcript's 3' end. VCF-style (leftmost placement, unchanged base first): chr13-32379883-GACAAAAAAAACTCAGTATCA-G. GRCh37 (hg19) VCF-style: chr13-32954020-GACAAAAAAAACTCAGTATCA-G.
Other names: c.8996_9015del20, p.Lys2999Thrfs (NM_001406719.1); c.9041_9060del20, p.Lys3014Thrfs (NM_001406720.1); c.4160_4179del20, p.Lys1387Thrfs (NM_001406721.1); c.2675_2694del20, p.Lys892Thrfs (NM_001406722.1); short protein forms K3031fs.
Identifiers: ClinVar variation 1765749 (VCV001765749.2), dbSNP rs2548555829, ClinGen allele CA2580087496.

ClinVar aggregate classification (germline): Pathogenic (1 of 4 stars; one submission).

Conditions:
Hereditary cancer-predisposing syndrome. Also called: Neoplastic Syndromes, Hereditary; Tumor predisposition; Hereditary Cancer Syndrome; Hereditary neoplastic syndrome. Identifiers: Orphanet 140162, MedGen C0027672, MeSH D009386, MONDO:0015356.

Submission:

Ambry Genetics
Classification: Pathogenic for Hereditary cancer-predisposing syndrome. Last evaluated: 2017-03-17. Review status: criteria provided, single submitter. Criteria: Ambry Variant Classification Scheme 2023. Collection method: clinical testing. Allele origin: germline.
Comment: The c.9092_9111del20 pathogenic mutation, located in coding exon 22 of the BRCA2 gene, results from a deletion of 20 nucleotides at nucleotide positions 9092 to 9111, causing a translational frameshift with a predicted alternate stop codon (p.K3031Tfs*6). This alteration is expected to result in loss of function by premature protein truncation or nonsense-mediated mRNA decay. As such, this alteration is interpreted as a disease-causing mutation.